The following is an entry in ClinVar:

NM_004656.4(BAP1):c.1046A>G (p.Asn349Ser)

Gene: BAP1 (BRCA1 associated deubiquitinase 1; minus strand). Cytogenetic location: 3p21.1.
Variant type: single nucleotide variant.
Coding change: c.1046A>G on transcript NM_004656.4 (MANE Select); coding-DNA position 1046, A replaced by G.
Protein change: p.Asn349Ser; replaces asparagine 349 with serine.
Molecular consequence: missense variant.
Genome position (GRCh38, 1-based): chr3:52,405,180, T>C on the plus strand (A>G on the coding strand, the complement: BAP1 is on the minus strand). VCF-style: chr3-52405180-T-C. GRCh37 (hg19) VCF-style: chr3-52439196-T-C.
Other names: c.992A>G, p.Asn331Ser (NM_001410772.1); short protein forms N331S, N349S.
Identifiers: ClinVar variation 3367363 (VCV003367363.1).
Genomic context (GRCh38, chr3:52,405,180, plus strand): 5'-GACTTGGCATAATTGTGATTGTCTAGAAAGGCCGGCAGCCGCTGGACAATGGGAGTGGGG[T>C]TGGGGTGAACCCCATTGAGGCTGCTGCCTGGAGGCTTCACCACTAGCTTGGGTTTGTTGG-3'
Protein context (NP_004647.1, residues 339-359): PGSSLNGVHP[Asn349Ser]PTPIVQRLPA

ClinVar aggregate classification (germline): Uncertain significance (1 of 4 stars; one submission).

Submission:

GeneDx
Classification: Uncertain significance. Last evaluated: 2024-01-03. Review status: criteria provided, single submitter. Criteria: GeneDx Variant Classification Process June 2021. Collection method: clinical testing. Allele origin: germline. Affected: yes.
Comment: Not observed at significant frequency in large population cohorts (gnomAD); In silico analysis supports that this missense variant does not alter protein structure/function; Has not been previously published as pathogenic or benign to our knowledge